The following is an entry in ClinVar:

ClinVar aggregate classification (germline): Uncertain significance (1 of 4 stars; one submission).

Conditions:
Severe combined immunodeficiency due to DNA-PKcs deficiency. Also called: Immunodeficiency 26 with or without neurologic abnormalities; IMMUNODEFICIENCY 26 WITH NEUROLOGIC ABNORMALITIES. Identifiers: Orphanet 317425, MedGen C4014833, MONDO:0014423, OMIM 615966.

Allele frequency attached by ClinVar (database versions not stated): gnomAD 0.00001; TOPMed 0.00002; gnomAD exomes 0.00003.
gnomAD v4.1: 41 of 1,567,652 alleles (0.0026%); highest among the groups gnomAD compares: Non-Finnish European, 0.0032%; no homozygotes.

Submission:

Labcorp Genetics (formerly Invitae), Labcorp
Classification: Uncertain significance for Severe combined immunodeficiency due to DNA-PKcs deficiency. Last evaluated: 2019-03-14. Review status: criteria provided, single submitter. Criteria: Invitae Variant Classification Sherloc (09022015). Collection method: clinical testing. Allele origin: germline.
Comment: This variant is not present in population databases (ExAC no frequency). Algorithms developed to predict the effect of missense changes on protein structure and function output the following: SIFT: "Tolerated"; PolyPhen-2: "Benign"; Align-GVGD: "Class C0". The serine amino acid residue is found in multiple mammalian species, suggesting that this missense change does not adversely affect protein function. These predictions have not been confirmed by published functional studies and their clinical significance is uncertain. This variant has not been reported in the literature in individuals with PRKDC-related conditions. This sequence change replaces asparagine with serine at codon 1466 of the PRKDC protein (p.Asn1466Ser). The asparagine residue is weakly conserved and there is a small physicochemical difference between asparagine and serine. In summary, the available evidence is currently insufficient to determine the role of this variant in disease. Therefore, it has been classified as a Variant of Uncertain Significance.

NM_006904.7(PRKDC):c.4397A>G (p.Asn1466Ser)

Gene: PRKDC (protein kinase, DNA-activated, catalytic subunit; minus strand). Cytogenetic location: 8q11.21.
Variant type: single nucleotide variant.
Coding change: c.4397A>G on transcript NM_006904.7 (MANE Select); coding-DNA position 4397, A replaced by G.
Protein change: p.Asn1466Ser; replaces asparagine 1466 with serine.
Molecular consequence: missense variant.
Genome position (GRCh38, 1-based): chr8:47,888,534, T>C on the plus strand (A>G on the coding strand, the complement: PRKDC is on the minus strand). VCF-style: chr8-47888534-T-C. GRCh37 (hg19) VCF-style: chr8-48801095-T-C.
Other names: c.4397A>G, p.Asn1466Ser (NM_001081640.2); short protein forms N1466S.
Identifiers: ClinVar variation 849139 (VCV000849139.8), dbSNP rs1046243436, ClinGen allele CA176151417.
Genomic context (GRCh38, chr8:47,888,534, plus strand): 5'-ATACTAAAGCTAAAATAAATGTAAAAACAATAAGTTATAGTTACCTGAGACGGTAATATA[T>C]TATGCAGAAGCCCAGCTCTGTGAAGCTGTTTACAGGCAGACACAACAGCAGCCAGCCTGC-3'
Protein context (NP_008835.5, residues 1456-1476): KQLHRAGLLH[Asn1466Ser]ILPSQSTDLH